The following is an entry in ClinVar:

ClinVar aggregate classification (germline): Uncertain significance (1 of 4 stars; one submission).

Conditions:
Acute myeloid leukemia (AML). Also called: Acute myeloid leukemia, adult; AML adult; Acute non-lymphocytic leukemia; Acute granulocytic leukemia; Leukemia, acute myeloid, somatic; Leukemia, acute myelogenous, somatic. Identifiers: Orphanet 519, MedGen C0023467, MeSH D015470, MONDO:0018874, OMIM 601626, HP:0004808. Disease mechanism: Constitutively activated FLT3.

Allele frequency attached by ClinVar (database versions not stated): gnomAD exomes below 0.00001; ExAC 0.00001.

Submission:

Labcorp Genetics (formerly Invitae), Labcorp
Classification: Uncertain significance for Acute myeloid leukemia. Last evaluated: 2022-06-14. Review status: criteria provided, single submitter. Criteria: Invitae Variant Classification Sherloc (09022015). Collection method: clinical testing. Allele origin: germline.
Comment: In summary, the available evidence is currently insufficient to determine the role of this variant in disease. Therefore, it has been classified as a Variant of Uncertain Significance. Algorithms developed to predict the effect of missense changes on protein structure and function are either unavailable or do not agree on the potential impact of this missense change (SIFT: "Deleterious"; PolyPhen-2: "Probably Damaging"; Align-GVGD: "Class C15"). This variant has not been reported in the literature in individuals affected with CEBPA-related conditions. The frequency data for this variant in the population databases is considered unreliable, as metrics indicate poor data quality at this position in the gnomAD database. This sequence change replaces arginine, which is basic and polar, with cysteine, which is neutral and slightly polar, at codon 333 of the CEBPA protein (p.Arg333Cys).

NM_004364.5(CEBPA):c.997C>T (p.Arg333Cys)

Gene: CEBPA (CCAAT enhancer binding protein alpha; minus strand). Cytogenetic location: 19q13.11.
Variant type: single nucleotide variant.
Coding change: c.997C>T on transcript NM_004364.5 (MANE Select); coding-DNA position 997, C replaced by T.
Protein change: p.Arg333Cys; replaces arginine 333 with cysteine.
Molecular consequence: missense variant.
Genome position (GRCh38, 1-based): chr19:33,301,418, G>A on the plus strand (C>T on the coding strand, the complement: CEBPA is on the minus strand). VCF-style: chr19-33301418-G-A. GRCh37 (hg19) VCF-style: chr19-33792324-G-A.
Other names: c.640C>T, p.Arg214Cys (NM_001285829.2); c.1102C>T, p.Arg368Cys (NM_001287424.2); c.955C>T, p.Arg319Cys (NM_001287435.2); short protein forms R368C, R214C, R319C, R333C.
Identifiers: ClinVar variation 2006387 (VCV002006387.4), dbSNP rs758726582, ClinGen allele CA9363664.